The following is an entry in ClinVar:

ClinVar aggregate classification (germline): Uncertain significance (1 of 4 stars; one submission).

Conditions:
Primary ciliary dyskinesia 3. Identifiers: Orphanet 244, MedGen C1837618, MONDO:0012085, OMIM 608644.

Submission:

Myriad Genetics, Inc.
Classification: Uncertain significance for Primary ciliary dyskinesia 3. Last evaluated: 2026-07-14. Review status: criteria provided, single submitter. Criteria: Myriad Autosomal Dominant, Autosomal Recessive and X-Linked Classification Criteria (2023). Collection method: clinical testing. Allele origin: unknown.
Comment: NM_001369.2(DNAH5):c.36_40del5ins5(H12_V14delinsQSF) is an in-frame indel classified as a variant of uncertain significance in the context of primary ciliary dyskinesia, DNAH5-related. H12_V14delinsQSF has not been observed in cases with relevant disease. Relevant functional assessments of this variant are not available in the literature. H12_V14delinsQSF has not been observed in referenced population frequency databases. In summary, there is insufficient evidence to classify NM_001369.2(DNAH5):c.36_40del5ins5(H12_V14delinsQSF) as pathogenic or benign. Please note: this variant was assessed in the context of healthy population screening.

NM_001369.3(DNAH5):c.36_40delinsGAGCT (p.His12_Val14delinsGlnSerPhe)

Gene: DNAH5 (dynein axonemal heavy chain 5; minus strand). Cytogenetic location: 5p15.2.
Variant type: Indel.
Coding change: c.36_40delinsGAGCT on transcript NM_001369.3 (MANE Select); coding-DNA positions 36 to 40, TAGCG replaced by GAGCT.
Protein change: p.His12_Val14delinsGlnSerPhe.
Molecular consequence: missense variant.
Genome position (GRCh38, 1-based): chr5:13,944,399-13,944,403, CGCTA replaced by AGCTC on the plus strand (TAGCG replaced by GAGCT on the coding strand, the reverse complement: DNAH5 is on the minus strand). VCF-style: chr5-13944399-CGCTA-AGCTC. GRCh37 (hg19) VCF-style: chr5-13944508-CGCTA-AGCTC.
Identifiers: ClinVar variation 5003363 (VCV005003363.1).